The following is an entry in ClinVar:

NM_000465.4(BARD1):c.1957A>G (p.Ile653Val)

Gene: BARD1 (BRCA1 associated RING domain 1; minus strand). Cytogenetic location: 2q35.
Variant type: single nucleotide variant.
Coding change: c.1957A>G on transcript NM_000465.4 (MANE Select); coding-DNA position 1957, A replaced by G.
Protein change: p.Ile653Val; replaces isoleucine 653 with valine.
Molecular consequence: missense variant. On other transcripts: non-coding transcript variant (3).
Genome position (GRCh38, 1-based): chr2:214,730,455, T>C on the plus strand (A>G on the coding strand, the complement: BARD1 is on the minus strand). VCF-style: chr2-214730455-T-C. GRCh37 (hg19) VCF-style: chr2-215595179-T-C.
Other names: c.1900A>G, p.Ile634Val (NM_001282543.2); c.604A>G, p.Ile202Val (NM_001282545.2); c.547A>G, p.Ile183Val (NM_001282548.2); c.418A>G, p.Ile140Val (NM_001282549.2); short protein forms I183V, I140V, I202V, I634V, I653V.
Identifiers: ClinVar variation 820413 (VCV000820413.11), dbSNP rs2228455, ClinGen allele CA350451161.

ClinVar aggregate classification (germline): Uncertain significance. Review status: criteria provided, multiple submitters, no conflicts (2 of 4 stars). 3 submissions from 3 submitters: Uncertain significance (3). Last evaluated 2025-07-30.

Conditions:
Hereditary cancer-predisposing syndrome. Also called: Neoplastic Syndromes, Hereditary; Tumor predisposition; Hereditary Cancer Syndrome; Hereditary neoplastic syndrome. Identifiers: Orphanet 140162, MedGen C0027672, MeSH D009386, MONDO:0015356.
Familial cancer of breast. Also called: BREAST CANCER, FAMILIAL; Hereditary breast cancer; hereditary breast carcinoma. Identifiers: Orphanet 227535, MedGen C0346153, MONDO:0016419, OMIM 114480. Disease mechanism: loss of function.

Allele frequency attached by ClinVar (database versions not stated): gnomAD exomes below 0.00001.
gnomAD v4.1: 4 of 1,614,006 alleles (0.00025%); highest among the groups gnomAD compares: South Asian, 0.0011%; no homozygotes.

Submissions (3):

Labcorp Genetics (formerly Invitae), Labcorp
Classification: Uncertain significance for Familial cancer of breast. Last evaluated: 2025-07-30. Review status: criteria provided, single submitter. Criteria: Invitae Variant Classification Sherloc (09022015). Collection method: clinical testing. Allele origin: germline.
Comment: This sequence change replaces isoleucine, which is neutral and non-polar, with valine, which is neutral and non-polar, at codon 653 of the BARD1 protein (p.Ile653Val). This variant is not present in population databases (gnomAD no frequency). This variant has not been reported in the literature in individuals affected with BARD1-related conditions. ClinVar contains an entry for this variant (Variation ID: 820413). An algorithm developed to predict the effect of missense changes on protein structure and function outputs the following: PolyPhen-2: "Benign". The valine amino acid residue is found in multiple mammalian species, which suggests that this missense change does not adversely affect protein function. In summary, the available evidence is currently insufficient to determine the role of this variant in disease. Therefore, it has been classified as a Variant of Uncertain Significance.

GeneDx
Classification: Uncertain significance. Last evaluated: 2024-02-18. Review status: criteria provided, single submitter. Criteria: GeneDx Variant Classification Process June 2021. Collection method: clinical testing. Allele origin: germline. Affected: yes.
Comment: Not observed at significant frequency in large population cohorts (gnomAD); In silico analysis supports that this missense variant does not alter protein structure/function; Has not been previously published as pathogenic or benign to our knowledge; This variant is associated with the following publications: (PMID: 17550235)

Ambry Genetics
Classification: Uncertain significance for Hereditary cancer-predisposing syndrome. Last evaluated: 2019-06-12. Review status: criteria provided, single submitter. Criteria: Ambry Variant Classification Scheme 2023. Collection method: clinical testing. Allele origin: germline.
Comment: The p.I653V variant (also known as c.1957A>G), located in coding exon 10 of the BARD1 gene, results from an A to G substitution at nucleotide position 1957. The isoleucine at codon 653 is replaced by valine, an amino acid with highly similar properties. This amino acid position is poorly conserved in available vertebrate species. In addition, this alteration is predicted to be tolerated by in silico analysis. Since supporting evidence is limited at this time, the clinical significance of this alteration remains unclear.